The following is an entry in ClinVar:

ClinVar aggregate classification (germline): Uncertain significance (1 of 4 stars; one submission).

Conditions:
Alpha thalassemia-X-linked intellectual disability syndrome (ATRX). Also called: ALPHA-THALASSEMIA/MENTAL RETARDATION SYNDROME, X-LINKED; ATR, NONDELETION TYPE; ATR-X syndrome; Alpha thalassemia mental retardation syndrome, nondeletion type, X-linked; XLMR hypotonic face syndrome; X-linked alpha-thalassemia-mental retardation syndrome. Identifiers: Orphanet 847, MedGen C1845055, MONDO:0010519, OMIM 301040.

Submission:

Labcorp Genetics (formerly Invitae), Labcorp
Classification: Uncertain significance for Alpha thalassemia-X-linked intellectual disability syndrome. Last evaluated: 2022-03-05. Review status: criteria provided, single submitter. Criteria: Invitae Variant Classification Sherloc (09022015). Collection method: clinical testing. Allele origin: germline.
Comment: In summary, the available evidence is currently insufficient to determine the role of this variant in disease. Therefore, it has been classified as a Variant of Uncertain Significance. Advanced modeling of protein sequence and biophysical properties (such as structural, functional, and spatial information, amino acid conservation, physicochemical variation, residue mobility, and thermodynamic stability) performed at Invitae indicates that this missense variant is not expected to disrupt ATRX protein function. This sequence change replaces serine, which is neutral and polar, with phenylalanine, which is neutral and non-polar, at codon 1156 of the ATRX protein (p.Ser1156Phe). This variant is not present in population databases (gnomAD no frequency). This variant has not been reported in the literature in individuals affected with ATRX-related conditions.

NM_000489.6(ATRX):c.3467C>T (p.Ser1156Phe)

Gene: ATRX (ATRX chromatin remodeler; minus strand). Cytogenetic location: Xq21.1.
Variant type: single nucleotide variant.
Coding change: c.3467C>T on transcript NM_000489.6 (MANE Select); coding-DNA position 3467, C replaced by T.
Protein change: p.Ser1156Phe; replaces serine 1156 with phenylalanine.
Molecular consequence: missense variant.
Genome position (GRCh38, 1-based): chrX:77,681,789, G>A on the plus strand (C>T on the coding strand, the complement: ATRX is on the minus strand). VCF-style: chrX-77681789-G-A. GRCh37 (hg19) VCF-style: chrX-76937281-G-A.
Other names: c.3353C>T, p.Ser1118Phe (NM_138270.5); short protein forms S1118F, S1156F.
Identifiers: ClinVar variation 2051423 (VCV002051423.4), dbSNP rs2071214033, ClinGen allele CA413706430.
Genomic context (GRCh38, chrX:77,681,789, plus strand): 5'-TTTTTAGATGAAGTTCTTTGCTTCTTCTTTTTATTATCTTCAGAACTTTCCTCAGCATCA[G>A]ATGATGATGAGCCACTTTGTATTTCCTTAGTATTTCTCTTTGAACTTAAATTTCTTCTTT-3'
Protein context (NP_000480.3, residues 1146-1166): TKEIQSGSSS[Ser1156Phe]DAEESSEDNK